The following is an entry in ClinVar:

NM_206933.4(USH2A):c.14369A>C (p.Gln4790Pro)

Gene: USH2A (usherin; minus strand). Cytogenetic location: 1q41.
Variant type: single nucleotide variant.
Coding change: c.14369A>C on transcript NM_206933.4 (MANE Select); coding-DNA position 14369, A replaced by C.
Protein change: p.Gln4790Pro; replaces glutamine 4790 with proline.
Molecular consequence: missense variant.
Genome position (GRCh38, 1-based): chr1:215,648,741, T>G on the plus strand (A>C on the coding strand, the complement: USH2A is on the minus strand). VCF-style: chr1-215648741-T-G. GRCh37 (hg19) VCF-style: chr1-215822083-T-G.
Other names: short protein forms Q4790P.
Identifiers: ClinVar variation 866070 (VCV000866070.16), dbSNP rs149807281, ClinGen allele CA37390502.

ClinVar aggregate classification (germline): Conflicting classifications of pathogenicity. Review status: criteria provided, conflicting classifications (1 of 4 stars). 7 submissions from 7 submitters: Pathogenic (1); Likely pathogenic (1); Uncertain significance (4). 1 of the submissions does not count toward it. Last evaluated 2026-01-26.

Conditions:
USH2A-related disorder. Also called: USH2A-related condition; USH2A-related disorders. Identifiers: MedGen CN239332.
Retinitis pigmentosa 39 (RP39). Identifiers: Orphanet 791, MedGen C3151138, MONDO:0013436, OMIM 613809.
Inborn genetic diseases. Identifiers: MedGen C0950123, MeSH D030342.
Usher syndrome type 2A. Also called: RETINAL DISEASE IN USHER SYNDROME TYPE IIA, MODIFIER OF; USHER SYNDROME, TYPE IIA. Identifiers: Orphanet 231178, Orphanet 886, MedGen C1848634, MONDO:0010169, OMIM 276901.

Allele frequency attached by ClinVar (database versions not stated): gnomAD exomes below 0.00001 and 0.00002; gnomAD 0.00003 and 0.00004; TOPMed 0.00004; ESP Exome Variant Server 0.00015.
gnomAD v4.1: 41 of 1,614,048 alleles (0.0025%); highest among the groups gnomAD compares: Non-Finnish European, 0.0031%; no homozygotes.

Submissions (7):

Labcorp Genetics (formerly Invitae), Labcorp
Classification: Likely pathogenic. Last evaluated: 2026-01-26. Review status: criteria provided, single submitter. Criteria: Invitae Variant Classification Sherloc (09022015). Collection method: clinical testing. Allele origin: germline.
Comment: This sequence change replaces glutamine, which is neutral and polar, with proline, which is neutral and non-polar, at codon 4790 of the USH2A protein (p.Gln4790Pro). This variant is present in population databases (rs149807281, gnomAD 0.002%). This missense change has been observed in individuals with retinitis pigmentosa (PMID: 34906470; internal data). ClinVar contains an entry for this variant (Variation ID: 866070). Invitae Evidence Modeling of protein sequence and biophysical properties (such as structural, functional, and spatial information, amino acid conservation, physicochemical variation, residue mobility, and thermodynamic stability) has been performed for this missense variant. However, the output from this modeling did not meet the statistical confidence thresholds required to predict the impact of this variant on USH2A protein function. In summary, the currently available evidence indicates that the variant is pathogenic, but additional data are needed to prove that conclusively. Therefore, this variant has been classified as Likely Pathogenic.

Women's Health and Genetics/Laboratory Corporation of America, LabCorp
Classification: Uncertain significance. Last evaluated: 2025-06-13. Review status: criteria provided, single submitter. Criteria: LabCorp Variant Classification Summary - May 2015. Collection method: clinical testing. Allele origin: germline.
Comment: Variant summary: USH2A c.14369A>C (p.Gln4790Pro) results in a non-conservative amino acid change located in the Fibronectin type III domain (IPR003961) of the encoded protein sequence. Algorithms developed to predict the effect of missense changes on protein structure and function are either unavailable or do not agree on the potential impact of this missense change. The variant allele was found at a frequency of 4e-06 in 251268 control chromosomes. The available data on variant occurrences in the general population are insufficient to allow any conclusion about variant significance. c.14369A>C has been observed in individuals affected with retinal degeneration and features of Retinitis pigmentosa (Zampaglione_2022, internal data). These data do not allow any conclusion about variant significance. To our knowledge, no experimental evidence demonstrating an impact on protein function has been reported. The following publications has been ascertained in the context of this evaluation (PMID: 34906470). ClinVar contains an entry for this variant (Variation ID: 866070). Based on the evidence outlined above, the variant was classified as uncertain significance.

Blueprint Genetics
Classification: Pathogenic for USH2A-related disorders. Last evaluated: 2024-02-09. Review status: criteria provided, single submitter. Criteria: ACMG Guidelines, 2015. Collection method: clinical testing. Allele origin: germline. Affected: yes. Observed: 5 variant alleles.

GeneDx
Classification: Uncertain significance. Last evaluated: 2021-11-27. Review status: criteria provided, single submitter. Criteria: GeneDx Variant Classification Process June 2021. Collection method: clinical testing. Allele origin: germline. Affected: yes.
Comment: Not observed at significant frequency in large population cohorts (Lek et al., 2016); In silico analysis supports that this missense variant has a deleterious effect on protein structure/function; Has not been previously published as pathogenic or benign to our knowledge

Ambry Genetics
Classification: Uncertain significance for Inborn genetic diseases. Last evaluated: 2021-07-20. Review status: criteria provided, single submitter. Criteria: Ambry Variant Classification Scheme 2023. Collection method: clinical testing. Allele origin: germline.

Ocular Genomics Institute, Massachusetts Eye and Ear
Classification: Uncertain significance for Retinitis pigmentosa 39. Last evaluated: 2021-04-08. Review status: criteria provided, single submitter. Criteria: ACMG Guidelines, 2015. Collection method: research. Allele origin: germline. Affected: yes.
Comment: Through a review of available evidence we were able to apply the following criteria: PM2. Based on this evidence we have classified this variant as Variant of Uncertain Significance.

Natera, Inc.
Classification: Uncertain significance for Usher syndrome type 2A. Last evaluated: 2020-09-21. Review status: no assertion criteria provided. Collection method: clinical testing. Allele origin: germline. Not counted in ClinVar's aggregate classification.

Literature cited by the submitters: PubMed 34906470 (cited by Labcorp Genetics (formerly Invitae), Labcorp and Women's Health and Genetics/Laboratory Corporation of America, LabCorp).